The following is an entry in ClinVar:

NM_001754.5(RUNX1):c.661T>G (p.Phe221Val)

Gene: RUNX1 (RUNX family transcription factor 1; minus strand). Cytogenetic location: 21q22.12.
Variant type: single nucleotide variant.
Coding change: c.661T>G on transcript NM_001754.5 (MANE Select); coding-DNA position 661, T replaced by G.
Protein change: p.Phe221Val; replaces phenylalanine 221 with valine.
Molecular consequence: missense variant.
Genome position (GRCh38, 1-based): chr21:34,834,554, A>C on the plus strand (T>G on the coding strand, the complement: RUNX1 is on the minus strand). VCF-style: chr21-34834554-A-C. GRCh37 (hg19) VCF-style: chr21-36206851-A-C.
Other names: c.580T>G, p.Phe194Val (NM_001001890.3, NM_001122607.2); short protein forms F194V, F221V.
Identifiers: ClinVar variation 3948853 (VCV003948853.1).

ClinVar aggregate classification (germline): Uncertain significance (1 of 4 stars; one submission).

Conditions:
Inborn genetic diseases. Identifiers: MedGen C0950123, MeSH D030342.

Submission:

Ambry Genetics
Classification: Uncertain significance for Inborn genetic diseases. Last evaluated: 2025-03-31. Review status: criteria provided, single submitter. Criteria: Ambry Variant Classification Scheme 2023. Collection method: clinical testing. Allele origin: germline.
Comment: The p.F221V variant (also known as c.661T>G), located in coding exon 6 of the RUNX1 gene, results from a T to G substitution at nucleotide position 661. The phenylalanine at codon 221 is replaced by valine, an amino acid with highly similar properties. This amino acid position is conserved. In addition, this alteration is predicted to be deleterious by in silico analysis. Based on the available evidence, the clinical significance of this variant remains unclear.